The following is an entry in ClinVar:

ClinVar aggregate classification (germline): Uncertain significance. Review status: criteria provided, single submitter (1 of 4 stars). 2 submissions from 2 submitters: Uncertain significance (1). 1 of the submissions does not count toward it. Last evaluated 2022-06-07.

Conditions:
ABCG8-related disorder. Also called: ABCG8-related condition.

Allele frequency attached by ClinVar (database versions not stated): gnomAD exomes 0.00001; ExAC 0.00003; gnomAD 0.00004; TOPMed 0.00004; ESP Exome Variant Server 0.00008; 1000 Genomes Project 30x 0.00031; 1000 Genomes Project 0.00040.
gnomAD v4.1: 16 of 1,603,116 alleles (0.001%); highest among the groups gnomAD compares: African/African-American, 0.02%; no homozygotes.

Submissions (2):

Labcorp Genetics (formerly Invitae), Labcorp
Classification: Uncertain significance. Last evaluated: 2022-06-07. Review status: criteria provided, single submitter. Criteria: Invitae Variant Classification Sherloc (09022015). Collection method: clinical testing. Allele origin: germline.
Comment: This sequence change falls in intron 10 of the ABCG8 gene. It does not directly change the encoded amino acid sequence of the ABCG8 protein. It affects a nucleotide within the consensus splice site. This variant is present in population databases (rs373395114, gnomAD 0.03%). This variant has not been reported in the literature in individuals affected with ABCG8-related conditions. Variants that disrupt the consensus splice site are a relatively common cause of aberrant splicing (PMID: 17576681, 9536098). Algorithms developed to predict the effect of sequence changes on RNA splicing suggest that this variant is not likely to affect RNA splicing. In summary, the available evidence is currently insufficient to determine the role of this variant in disease. Therefore, it has been classified as a Variant of Uncertain Significance.

PreventionGenetics, part of Exact Sciences
Classification: Likely benign for ABCG8-related condition. Last evaluated: 2024-07-09. Review status: no assertion criteria provided. Collection method: clinical testing. Allele origin: germline. Not counted in ClinVar's aggregate classification.
Comment: This variant is classified as likely benign based on ACMG/AMP sequence variant interpretation guidelines (Richards et al. 2015 PMID: 25741868, with internal and published modifications).

Literature cited by the submitters: PubMed 17576681 (cited by Labcorp Genetics (formerly Invitae), Labcorp); PubMed 9536098 (cited by Labcorp Genetics (formerly Invitae), Labcorp).

NM_022437.3(ABCG8):c.1488+5C>T

Gene: ABCG8 (ATP binding cassette subfamily G member 8; plus strand). Cytogenetic location: 2p21.
Variant type: single nucleotide variant.
Coding change: c.1488+5C>T on transcript NM_022437.3 (MANE Select); 5 bases into the intron after coding-DNA position 1488, C replaced by T.
Molecular consequence: intron variant.
Genome position (GRCh38, 1-based): chr2:43,874,488, C>T. VCF-style: chr2-43874488-C-T. GRCh37 (hg19) VCF-style: chr2-44101627-C-T.
Other names: c.1488+5C>T (NM_022437.2); c.1485+5C>T (NM_001357321.2).
Identifiers: ClinVar variation 2169674 (VCV002169674.5), dbSNP rs373395114, ClinGen allele CA1637473.